The following is an entry in ClinVar:

NM_006445.4(PRPF8):c.5413G>A (p.Gly1805Arg)

Gene: PRPF8 (pre-mRNA processing factor 8; minus strand). Cytogenetic location: 17p13.3.
Variant type: single nucleotide variant.
Coding change: c.5413G>A on transcript NM_006445.4 (MANE Select); coding-DNA position 5413, G replaced by A.
Protein change: p.Gly1805Arg; replaces glycine 1805 with arginine.
Molecular consequence: missense variant.
Genome position (GRCh38, 1-based): chr17:1,658,345, C>T on the plus strand (G>A on the coding strand, the complement: PRPF8 is on the minus strand). VCF-style: chr17-1658345-C-T. GRCh37 (hg19) VCF-style: chr17-1561639-C-T.
Other names: c.5413G>A (NM_006445.3); short protein forms G1805R.
Identifiers: ClinVar variation 808181 (VCV000808181.44), dbSNP rs1597230180, ClinGen allele CA397572202.
Genomic context (GRCh38, chr17:1,658,345, plus strand): 5'-ACGTGTGGATTATCTTGAGGAACAGCTGCCCTGTGCGTGGGTTGAAGATGAAGATGGCTC[C>T]GTTGATGGGCTTGGTTGTCAAGTTCCCTTCAAAGGTCTAGAGGAGGACGGCATTCGTTAG-3'
Protein context (NP_006436.3, residues 1795-1815): EGNLTTKPIN[Gly1805Arg]AIFIFNPRTG

ClinVar aggregate classification (germline): Conflicting classifications of pathogenicity. Review status: criteria provided, conflicting classifications (1 of 4 stars). 3 submissions from 3 submitters: Likely pathogenic (2); Uncertain significance (1). Last evaluated 2023-09-21.

Conditions:
Retinitis pigmentosa 13 (RP13). Also called: PRPF 8-Related Retinitis Pigmentosa. Identifiers: Orphanet 791, MedGen C1838702, MONDO:0010806, OMIM 600059.
Inborn genetic diseases. Identifiers: MedGen C0950123, MeSH D030342.

Submissions (3):

Ambry Genetics
Classification: Likely pathogenic for Inborn genetic diseases. Last evaluated: 2023-09-21. Review status: criteria provided, single submitter. Criteria: Ambry Variant Classification Scheme 2023. Collection method: clinical testing. Allele origin: germline.
Comment: The c.5413G>A (p.G1805R) alteration is located in exon 34 (coding exon 33) of the PRPF8 gene. This alteration results from a G to A substitution at nucleotide position 5413, causing the glycine (G) at amino acid position 1805 to be replaced by an arginine (R). for PRPF8-related neurodevelopmental disorder; however, its clinical significance for PRPF8-related retinitis pigmentosa is uncertain. This variant was not reported in population-based cohorts in the Genome Aggregation Database (gnomAD). This amino acid position is highly conserved in available vertebrate species. This alteration is predicted to be deleterious by in silico analysis. Based on the available evidence, this alteration is classified as likely pathogenic.

Groupe Hospitalier Pitie Salpetriere, Uf Genomique Du Developpement, Assistance Publique Hopitaux de Paris Sorbonne Université
Classification: Likely pathogenic for Retinitis pigmentosa 13. Last evaluated: 2022-12-01. Review status: criteria provided, single submitter. Criteria: ACMG Guidelines, 2015. Collection method: clinical testing. Allele origin: germline. Affected: yes.
Comment: This variant is found de novo (PS2), absent or extremely rare in population databases (PM2_supp), a missense variant in a gene with a low rate of benign missense variation where missense variants are a common disease mechanism (PP2), multiple lines of computational evidence support a deleterious effect on the gene or gene product (PP3) and reported as pathogenic by a reputable source though evidence isnt available for independent evaluation (PP5)

CeGaT Center for Human Genetics Tuebingen
Classification: Uncertain significance. Last evaluated: 2019-01-01. Review status: criteria provided, single submitter. Criteria: CeGaT Center For Human Genetics Tuebingen Variant Classification Criteria Version 2. Collection method: clinical testing. Allele origin: germline. Affected: yes. Observed: 1 variant allele.